The following is an entry in ClinVar:

ClinVar aggregate classification (germline): Uncertain significance (1 of 4 stars; one submission).

Conditions:
Tuberous sclerosis 2 (TSC2). Identifiers: Orphanet 805, MedGen C1860707, MONDO:0013199, OMIM 613254.

Submission:

Labcorp Genetics (formerly Invitae), Labcorp
Classification: Uncertain significance for Tuberous sclerosis 2. Last evaluated: 2023-07-30. Review status: criteria provided, single submitter. Criteria: Invitae Variant Classification Sherloc (09022015). Collection method: clinical testing. Allele origin: germline.
Comment: Advanced modeling of protein sequence and biophysical properties (such as structural, functional, and spatial information, amino acid conservation, physicochemical variation, residue mobility, and thermodynamic stability) performed at Invitae indicates that this missense variant is not expected to disrupt TSC2 protein function. This variant has not been reported in the literature in individuals affected with TSC2-related conditions. This variant is not present in population databases (gnomAD no frequency). This sequence change replaces leucine, which is neutral and non-polar, with proline, which is neutral and non-polar, at codon 626 of the TSC2 protein (p.Leu626Pro). In summary, the available evidence is currently insufficient to determine the role of this variant in disease. Therefore, it has been classified as a Variant of Uncertain Significance.

NM_000548.5(TSC2):c.1877T>C (p.Leu626Pro)

Gene: TSC2 (TSC complex subunit 2; plus strand). Cytogenetic location: 16p13.3.
Variant type: single nucleotide variant.
Coding change: c.1877T>C on transcript NM_000548.5 (MANE Select); coding-DNA position 1877, T replaced by C.
Protein change: p.Leu626Pro; replaces leucine 626 with proline.
Molecular consequence: missense variant. On other transcripts: non-coding transcript variant (5).
Genome position (GRCh38, 1-based): chr16:2,071,547, T>C. VCF-style: chr16-2071547-T-C. GRCh37 (hg19) VCF-style: chr16-2121548-T-C.
Other names: c.1877T>C, p.Leu626Pro (NM_001077183.3, NM_001114382.3, NM_001363528.2 and 6 more transcripts); c.1766T>C, p.Leu589Pro (NM_001318827.2, NM_001406678.1, NM_001406670.1); c.1730T>C, p.Leu577Pro (NM_001318829.2, NM_001406679.1, NM_001406675.1 and 1 more transcripts); c.1277T>C, p.Leu426Pro (NM_001318831.2, NM_001406680.1, NM_001406682.1 and 6 more transcripts); c.1910T>C, p.Leu637Pro (NM_001318832.2); c.1415T>C, p.Leu472Pro (NM_001406681.1); c.533T>C, p.Leu178Pro (NM_001406697.1, NM_001406689.1, NM_001406690.1 and 6 more transcripts); c.275T>C, p.Leu92Pro (NM_001406698.1); and 3 more; short protein forms L577P, L622P, L607P, L178P, L472P, L589P, L626P, L426P.
Identifiers: ClinVar variation 2884615 (VCV002884615.3), dbSNP rs2151297043, ClinGen allele CA394273098.